The following is an entry in ClinVar:

NM_024675.4(PALB2):c.1705A>G (p.Lys569Glu)

Gene: PALB2 (partner and localizer of BRCA2; minus strand). Cytogenetic location: 16p12.2.
Variant type: single nucleotide variant.
Coding change: c.1705A>G on transcript NM_024675.4 (MANE Select); coding-DNA position 1705, A replaced by G.
Protein change: p.Lys569Glu; replaces lysine 569 with glutamic acid.
Molecular consequence: missense variant. On other transcripts: 5 prime UTR variant (2), intron variant (1).
Genome position (GRCh38, 1-based): chr16:23,630,449, T>C on the plus strand (A>G on the coding strand, the complement: PALB2 is on the minus strand). VCF-style: chr16-23630449-T-C. GRCh37 (hg19) VCF-style: chr16-23641770-T-C.
Other names: c.1645A>G, p.Lys549Glu (NM_001407296.1); c.1705A>G, p.Lys569Glu (NM_001407297.1, NM_001407298.1, NM_001407299.1 and 3 more transcripts); c.820A>G, p.Lys274Glu (NM_001407305.1, NM_001407306.1, NM_001407307.1 and 5 more transcripts); c.-84A>G (NM_001407312.1, NM_001407313.1); c.49-1174A>G (NM_001407314.1); short protein forms K569E, K549E, K274E.
Identifiers: ClinVar variation 4663567 (VCV004663567.1).

ClinVar aggregate classification (germline): Uncertain significance (1 of 4 stars; one submission).

Conditions:
Hereditary cancer-predisposing syndrome. Also called: Neoplastic Syndromes, Hereditary; Tumor predisposition; Hereditary Cancer Syndrome; Hereditary neoplastic syndrome. Identifiers: Orphanet 140162, MedGen C0027672, MeSH D009386, MONDO:0015356.

Submission:

Ambry Genetics
Classification: Uncertain significance for Hereditary cancer-predisposing syndrome. Last evaluated: 2025-09-17. Review status: criteria provided, single submitter. Criteria: Ambry Variant Classification Scheme 2023. Collection method: clinical testing. Allele origin: germline.
Comment: The p.K569E variant (also known as c.1705A>G), located in coding exon 5 of the PALB2 gene, results from an A to G substitution at nucleotide position 1705. The lysine at codon 569 is replaced by glutamic acid, an amino acid with similar properties. This amino acid position is conserved. In addition, this alteration is predicted to be tolerated by in silico analysis. Based on the available evidence, the clinical significance of this variant remains unclear.